The following is an entry in ClinVar:

ClinVar aggregate classification (germline): Likely benign (1 of 4 stars; one submission).

Allele frequency attached by ClinVar (database versions not stated): gnomAD 0.00001; gnomAD exomes 0.00001; TOPMed 0.00001.
gnomAD v4.1: 21 of 1,535,990 alleles (0.0014%); highest among the groups gnomAD compares: Non-Finnish European, 0.0018%; no homozygotes.

Submission:

CeGaT Center for Human Genetics Tuebingen
Classification: Likely benign. Last evaluated: 2023-03-01. Review status: criteria provided, single submitter. Criteria: CeGaT Center For Human Genetics Tuebingen Variant Classification Criteria Version 2. Collection method: clinical testing. Allele origin: germline. Affected: yes. Observed: 2 variant alleles.
Comment: ADCY5: BP4, BP7

NM_183357.3(ADCY5):c.1134+31207A>G

Gene: ADCY5 (adenylate cyclase 5; minus strand). Cytogenetic location: 3q21.1.
Variant type: single nucleotide variant.
Coding change: c.1134+31207A>G on transcript NM_183357.3 (MANE Select); 31207 bases into the intron after coding-DNA position 1134, A replaced by G.
Molecular consequence: intron variant. On other transcripts: synonymous variant (1).
Genome position (GRCh38, 1-based): chr3:123,416,205, T>C on the plus strand (A>G on the coding strand, the complement: ADCY5 is on the minus strand). VCF-style: chr3-123416205-T-C. GRCh37 (hg19) VCF-style: chr3-123135052-T-C.
Other names: c.63A>G, p.Gly21= (NM_001199642.1); c.1134+31207A>G (NM_001378259.1).
Identifiers: ClinVar variation 2498937 (VCV002498937.28), dbSNP rs1167740564, ClinGen allele CA545965243.